The following is an entry in ClinVar:

NM_001429.4(EP300):c.6440A>G (p.Gln2147Arg)

Gene: EP300 (EP300 lysine acetyltransferase; plus strand). Cytogenetic location: 22q13.2.
Variant type: single nucleotide variant.
Coding change: c.6440A>G on transcript NM_001429.4 (MANE Select); coding-DNA position 6440, A replaced by G.
Protein change: p.Gln2147Arg; replaces glutamine 2147 with arginine.
Molecular consequence: missense variant.
Genome position (GRCh38, 1-based): chr22:41,178,151, A>G. VCF-style: chr22-41178151-A-G. GRCh37 (hg19) VCF-style: chr22-41574155-A-G.
Other names: c.6362A>G, p.Gln2121Arg (NM_001362843.2); short protein forms Q2121R, Q2147R.
Identifiers: ClinVar variation 4883795 (VCV004883795.2).

ClinVar aggregate classification (germline): Uncertain significance (1 of 4 stars; one submission).

Submission:

Dasa
Classification: Uncertain significance. Last evaluated: 2025-10-02. Review status: criteria provided, single submitter. Criteria: DASA Assertion Criteria. Collection method: clinical testing. Allele origin: germline.
Comment: NM_001429.4(EP300):c.6440A>G (p.Gln2147Arg) is a missense variant that results in the substitution of glutamine with arginine. This variant is absent from population databases. The currently available literature and clinical evidence are not sufficient to establish a definitive association between this variant and the reported condition. Therefore, this variant is classified as a variant of uncertain significance.